The following is an entry in ClinVar:

ClinVar aggregate classification (germline): Uncertain significance (1 of 4 stars; one submission).

Conditions:
Epilepsy, familial focal, with variable foci 1 (FFEVF1). Also called: DEPDC5-Related Epilepsy. Identifiers: MedGen C4551983, MONDO:0024556, OMIM 604364.

Submission:

Baylor Genetics
Classification: Uncertain significance for Epilepsy, familial focal, with variable foci 1. Last evaluated: 2019-08-08. Review status: criteria provided, single submitter. Criteria: ACMG Guidelines, 2015. Collection method: clinical testing. Allele origin: unknown. Affected: yes.
Comment: This variant was determined to be of uncertain significance according to ACMG Guidelines, 2015 [PMID:25741868].

NM_001242896.3(DEPDC5):c.1828C>A (p.Leu610Ile)

Gene: DEPDC5 (DEP domain containing 5, GATOR1 subcomplex subunit; plus strand). Cytogenetic location: 22q12.3.
Variant type: single nucleotide variant.
Coding change: c.1828C>A on transcript NM_001242896.3 (MANE Select); coding-DNA position 1828, C replaced by A.
Protein change: p.Leu610Ile; replaces leucine 610 with isoleucine.
Molecular consequence: missense variant. On other transcripts: non-coding transcript variant (5).
Genome position (GRCh38, 1-based): chr22:31,819,183, C>A. VCF-style: chr22-31819183-C-A. GRCh37 (hg19) VCF-style: chr22-32215169-C-A.
Other names: c.1828C>A, p.Leu610Ile (NM_001136029.4, NM_001242897.2, NM_001363852.2 and 6 more transcripts); c.1744C>A, p.Leu582Ile (NM_001369901.1, NM_001369902.1); short protein forms L610I, L582I.
Identifiers: ClinVar variation 1027724 (VCV001027724.1), dbSNP rs2089444709, ClinGen allele CA411281028.
Genomic context (GRCh38, chr22:31,819,183, plus strand): 5'-GGATACACGCCCCAGAGAGCACTGATTAACCCCTTCGCTCCCTCTCGGATGCCCATGAAG[C>A]TTACGTCCAACAGAAGGCGCTGGATGCACACTTTTCCTGTGGGTAAGTTGGTTGCTTAAG-3'
Protein context (NP_001229825.1, residues 600-620): PFAPSRMPMK[Leu610Ile]TSNRRRWMHT